The following is an entry in ClinVar:

NM_001692.4(ATP6V1B1):c.585+1G>A

Gene: ATP6V1B1 (ATPase H+ transporting V1 subunit B1; plus strand). Cytogenetic location: 2p13.3.
Variant type: single nucleotide variant.
Coding change: c.585+1G>A on transcript NM_001692.4 (MANE Select); the canonical splice donor site of the intron after coding-DNA position 585, G replaced by A.
Molecular consequence: splice donor variant.
Genome position (GRCh38, 1-based): chr2:70,960,079, G>A. VCF-style: chr2-70960079-G-A. GRCh37 (hg19) VCF-style: chr2-71187209-G-A.
Other names: IVS6DS, G-A, +1.
Identifiers: ClinVar variation 12227 (VCV000012227.15), dbSNP rs782723581, ClinGen allele CA1701088.
Genomic context (GRCh38, chr2:70,960,079, plus strand): 5'-AGCATTGCCCGCGGCCAGAAGATCCCCATCTTCTCAGCAGCCGGGCTCCCCCACAATGAG[G>A]TGAGGCCTGCAGGGCCAGCAGGCATGGCTGGGGGAGGGACAGAGCAGAGGCTGGGGCTGC-3'

ClinVar aggregate classification (germline): Pathogenic/Likely pathogenic. Review status: criteria provided, multiple submitters, no conflicts (2 of 4 stars). 6 submissions from 6 submitters: Pathogenic (3); Likely pathogenic (2). 1 of the submissions does not count toward it. Last evaluated 2025-05-08.

Conditions:
ATP6V1B1-related disorder. Also called: ATP6V1B1-related condition.
Renal tubular acidosis with progressive nerve deafness. Also called: RENAL TUBULAR ACIDOSIS, AUTOSOMAL RECESSIVE, WITH PROGRESSIVE NERVE DEAFNESS; RTA WITH PROGRESSIVE NERVE DEAFNESS; Distal Renal Tubular Acidosis with Progressive Sensorineural Deafness; renal tubular acidosis, distal, 2, with progressive sensorineural hearing loss. Identifiers: MedGen C0403554, MONDO:0009968, OMIM 267300.

Allele frequency attached by ClinVar (database versions not stated): gnomAD 0.00002; TOPMed 0.00002; gnomAD exomes 0.00001.
gnomAD v4.1: 15 of 1,614,036 alleles (0.00093%); highest among the groups gnomAD compares: East Asian, 0.0022%; no homozygotes.

Submissions (6):

3billion
Classification: Pathogenic for Renal tubular acidosis with progressive nerve deafness. Last evaluated: 2025-05-08. Review status: criteria provided, single submitter. Criteria: ACMG Guidelines, 2015. Collection method: clinical testing. Allele origin: germline. Affected: yes.
Comment: The variant is not observed in the gnomAD v4.1.0 dataset. Predicted Consequence/Location: Canonical splice site: predicted to alter splicing and result in a loss or disruption of normal protein function. Multiple pathogenic loss-of-function variants are reported downstream of the variant. The variant has been reported at least twice as pathogenic without evidence for the classification (ClinVar ID: VCV001499499). Therefore, this variant is classified as Pathogenic according to the recommendation of ACMG/AMP guideline.

Labcorp Genetics (formerly Invitae), Labcorp
Classification: Likely pathogenic. Last evaluated: 2023-10-25. Review status: criteria provided, single submitter. Criteria: Invitae Variant Classification Sherloc (09022015). Collection method: clinical testing. Allele origin: germline.
Comment: This sequence change affects a donor splice site in intron 6 of the ATP6V1B1 gene. It is expected to disrupt RNA splicing. Variants that disrupt the donor or acceptor splice site typically lead to a loss of protein function (PMID: 16199547), and loss-of-function variants in ATP6V1B1 are known to be pathogenic (PMID: 9916796, 18368028). The frequency data for this variant in the population databases is considered unreliable, as metrics indicate poor data quality at this position in the gnomAD database. Disruption of this splice site has been observed in individual(s) with renal tubular acidosis with sensorineural deafness (PMID: 9916796). ClinVar contains an entry for this variant (Variation ID: 12227). Algorithms developed to predict the effect of sequence changes on RNA splicing suggest that this variant may disrupt the consensus splice site. In summary, the currently available evidence indicates that the variant is pathogenic, but additional data are needed to prove that conclusively. Therefore, this variant has been classified as Likely Pathogenic.

Blueprint Genetics
Classification: Likely pathogenic for ATP6V1B1-related disorders. Last evaluated: 2023-05-04. Review status: criteria provided, single submitter. Criteria: ACMG Guidelines, 2015. Collection method: clinical testing. Allele origin: germline. Affected: yes. Observed: 1 variant allele.

Fulgent Genetics
Classification: Pathogenic for Renal tubular acidosis with progressive nerve deafness. Last evaluated: 2022-01-27. Review status: criteria provided, single submitter. Criteria: ACMG Guidelines, 2015. Collection method: clinical testing. Allele origin: unknown.

Juno Genomics, Hangzhou Juno Genomics, Inc
Classification: Pathogenic for Renal tubular acidosis with progressive nerve deafness. Review status: criteria provided, single submitter. Criteria: ACMG Guidelines, 2015. Collection method: clinical testing. Allele origin: germline.
Comment: Absent from controls (or at extremely low frequency if recessive) in Genome Aggregation Database.;Null variant in a gene where loss of function (LOF) is a known mechanism of disease.;For recessive disorders, detected in trans with a pathogenic variant.

OMIM
Classification: Pathogenic for RENAL TUBULAR ACIDOSIS, DISTAL, 2, WITH PROGRESSIVE SENSORINEURAL HEARING LOSS. Last evaluated: 1999-01-01. Review status: no assertion criteria provided. Collection method: literature only. Allele origin: germline. Not counted in ClinVar's aggregate classification.

Literature cited by the submitters: PubMed 9916796 (cited by 3 submitters); PubMed 16199547 (cited by Labcorp Genetics (formerly Invitae), Labcorp); PubMed 18368028 (cited by Labcorp Genetics (formerly Invitae), Labcorp).